The following is an entry in ClinVar:

ClinVar aggregate classification (germline): Uncertain significance (1 of 4 stars; one submission).

Submission:

GeneDx
Classification: Uncertain significance. Last evaluated: 2023-01-19. Review status: criteria provided, single submitter. Criteria: GeneDx Variant Classification Process June 2021. Collection method: clinical testing. Allele origin: germline. Affected: yes.
Comment: Not observed at significant frequency in large population cohorts (gnomAD); In silico analysis supports that this missense variant has a deleterious effect on protein structure/function; Has not been previously published as pathogenic or benign to our knowledge

NM_000719.7(CACNA1C):c.713C>G (p.Ala238Gly)

Gene: CACNA1C (calcium voltage-gated channel subunit alpha1 C; plus strand). Cytogenetic location: 12p13.33.
Variant type: single nucleotide variant.
Coding change: c.713C>G on transcript NM_000719.7 (MANE Select); coding-DNA position 713, C replaced by G.
Protein change: p.Ala238Gly; replaces alanine 238 with glycine.
Molecular consequence: missense variant.
Genome position (GRCh38, 1-based): chr12:2,457,662, C>G. VCF-style: chr12-2457662-C-G. GRCh37 (hg19) VCF-style: chr12-2566828-C-G.
Other names: c.713C>G, p.Ala238Gly (NM_001129827.2, NM_001129829.2, NM_001129830.3 and 19 more transcripts); short protein forms A238G.
Identifiers: ClinVar variation 2573728 (VCV002573728.1), dbSNP rs2497865748, ClinGen allele CA383367825.